The following is an entry in ClinVar:

NM_021072.4(HCN1):c.203GCG[6] (p.Gly74del)

Gene: HCN1 (hyperpolarization activated cyclic nucleotide gated potassium channel 1; minus strand). Cytogenetic location: 5p12.
Variant type: Microsatellite.
Coding change: c.203GCG[6] on transcript NM_021072.4 (MANE Select); six copies in a row of the 3-base unit GCG starting at c.203; the reference has seven copies in a row; one copy, 3 bases deleted; also written c.221_223del.
Protein change: p.Gly74del; deletes glycine 74.
Molecular consequence: inframe deletion.
Genome position (GRCh38, 1-based): chr5:45,695,871-45,695,873, CGC deleted on the plus strand (GCG on the coding strand, the reverse complement: HCN1 is on the minus strand); deleting any 3 consecutive bases within chr5:45,695,871-45,695,892 gives the same sequence; the position shown is the placement nearest the transcript's 3' end. VCF-style (leftmost placement, unchanged base first): chr5-45695870-TCGC-T. GRCh37 (hg19) VCF-style: chr5-45695972-TCGC-T.
Other names: c.221_223del (NM_021072.3); short protein forms G74del.
Identifiers: ClinVar variation 581499 (VCV000581499.19), dbSNP rs747975797, ClinGen allele CA3259497.

ClinVar aggregate classification (germline): Conflicting classifications of pathogenicity. Review status: criteria provided, conflicting classifications (1 of 4 stars). 6 submissions from 6 submitters: Uncertain significance (1); Benign (1); Likely benign (4). Last evaluated 2025-12-30.

Conditions:
Generalized epilepsy with febrile seizures plus, type 10. Also called: GEFS+, TYPE 10. Identifiers: MedGen C5193120, MONDO:0032777, OMIM 618482.
Developmental and epileptic encephalopathy, 24 (DEE24). Also called: Epileptic encephalopathy, early infantile, 24. Identifiers: Orphanet 442835, MedGen C4014531, MONDO:0014377, OMIM 615871.
Inborn genetic diseases. Identifiers: MedGen C0950123, MeSH D030342.
Early-infantile DEE. Also called: Early infantile epileptic encephalopathy with suppression bursts; Early infantile epileptic encephalopathy; Ohtahara syndrome. Identifiers: Orphanet 1934, MedGen C0393706, MONDO:0800491.

Submissions (6):

Labcorp Genetics (formerly Invitae), Labcorp
Classification: Likely benign for Early-infantile DEE. Last evaluated: 2025-12-30. Review status: criteria provided, single submitter. Criteria: Invitae Variant Classification Sherloc (09022015). Collection method: clinical testing. Allele origin: germline.

Blueprint Genetics
Classification: Likely benign. Last evaluated: 2024-11-25. Review status: criteria provided, single submitter. Criteria: ACMG Guidelines, 2015. Collection method: clinical testing. Allele origin: germline.

GeneDx
Classification: Benign. Last evaluated: 2021-08-10. Review status: criteria provided, single submitter. Criteria: GeneDx Variant Classification Process June 2021. Collection method: clinical testing. Allele origin: germline. Affected: yes.

Mendelics
Classification: Likely benign for Developmental and epileptic encephalopathy, 24. Last evaluated: 2019-05-28. Review status: criteria provided, single submitter. Criteria: Mendelics Assertion Criteria 2017. Collection method: clinical testing. Allele origin: unknown.

Ambry Genetics
Classification: Likely benign for Inborn genetic diseases. Last evaluated: 2018-01-26. Review status: criteria provided, single submitter. Criteria: Ambry Variant Classification Scheme 2023. Collection method: clinical testing. Allele origin: germline.

Center for Genomics, Ann and Robert H. Lurie Children's Hospital of Chicago
Classification: Uncertain significance for Developmental and epileptic encephalopathy, 24; Generalized epilepsy with febrile seizures plus, type 10. Review status: criteria provided, single submitter. Criteria: ACMG Guidelines, 2015. Collection method: clinical testing. Allele origin: germline.
Comment: HCN1 NM_021072.3 exon 1 p.Gly74del (c.221_223del): This variant has not been reported in the literature and is present in 0.5% (79/13482) of East Asian alleles in the Genome Aggregation Database. This variant is present in ClinVar (Variation ID:581449). Evolutionary conservation and computational predictive tools for this variant are limited or unavailable. This variant represents an in-frame deletion of one amino acid at position 74, which is within a repeat region, and it is not predicted to alter the reading frame. However, the effect of this variant on the protein is unclear. In summary, data on this variant is insufficient for disease classification. Therefore, the clinical significance of this variant is uncertain.